The following is an entry in ClinVar:

NM_001374736.1(DST):c.19630C>G (p.Leu6544Val)

Gene: DST (dystonin; minus strand). Cytogenetic location: 6p12.1.
Variant type: single nucleotide variant.
Coding change: c.19630C>G on transcript NM_001374736.1 (MANE Select); coding-DNA position 19630, C replaced by G.
Protein change: p.Leu6544Val; replaces leucine 6544 with valine.
Molecular consequence: missense variant.
Genome position (GRCh38, 1-based): chr6:56,501,630, G>C on the plus strand (C>G on the coding strand, the complement: DST is on the minus strand). VCF-style: chr6-56501630-G-C. GRCh37 (hg19) VCF-style: chr6-56366428-G-C.
Other names: c.13273C>G, p.Leu4425Val (NM_001144769.5); c.12859C>G, p.Leu4287Val (NM_001144770.2); c.19630C>G, p.Leu6544Val (NM_001374722.1); c.18670C>G, p.Leu6224Val (NM_001374729.1); c.12412C>G, p.Leu4138Val (NM_001374730.1); c.19657C>G, p.Leu6553Val (NM_001374734.1); c.11761C>G, p.Leu3921Val (NM_015548.5); c.12739C>G, p.Leu4247Val (NM_183380.4); short protein forms L4247V, L6224V, L4138V, L4287V, L4425V, L3921V, L6544V, L6553V.
Identifiers: ClinVar variation 972157 (VCV000972157.8), dbSNP rs1314348115, ClinGen allele CA364520613.

ClinVar aggregate classification (germline): Uncertain significance (1 of 4 stars; one submission).

Conditions:
Epidermolysis bullosa simplex 3, localized or generalized intermediate, with BP230 deficiency (EBS3). Also called: Epidermolysis bullosa simplex, autosomal recessive 2; Epidermolysis bullosa simplex due to BP230 deficiency. Identifiers: Orphanet 412181, MedGen C3809470, MONDO:0014180, OMIM 615425.
Hereditary sensory and autonomic neuropathy type 6. Also called: Neuropathy, hereditary sensory and autonomic, type VI; HSAN VI. Identifiers: Orphanet 314381, MedGen C3539003, MONDO:0013839, OMIM 614653.

gnomAD v4.1: 1 of 1,609,062 alleles (0.000062%); highest among the groups gnomAD compares: Non-Finnish European, 0.000085%; no homozygotes.

Submission:

Labcorp Genetics (formerly Invitae), Labcorp
Classification: Uncertain significance for Epidermolysis bullosa simplex 3, localized or generalized intermediate, with BP230 deficiency; Hereditary sensory and autonomic neuropathy type 6. Last evaluated: 2021-12-15. Review status: criteria provided, single submitter. Criteria: Invitae Variant Classification Sherloc (09022015). Collection method: clinical testing. Allele origin: germline.
Comment: The DST gene has multiple clinically relevant transcripts. This variant occurs in alternate transcript NM_015548.4, and corresponds to NM_001723.5:c.*113887C>G in the primary transcript. This sequence change replaces leucine, which is neutral and non-polar, with valine, which is neutral and non-polar, at codon 3921 of the DST protein (p.Leu3921Val). This variant is not present in population databases (gnomAD no frequency). This variant has not been reported in the literature in individuals affected with DST-related conditions. Experimental studies and prediction algorithms are not available or were not evaluated, and the functional significance of this variant is currently unknown. In summary, the available evidence is currently insufficient to determine the role of this variant in disease. Therefore, it has been classified as a Variant of Uncertain Significance.